The following is an entry in ClinVar:

NM_177438.3(DICER1):c.734+2T>C

Gene: DICER1 (dicer 1, ribonuclease III; minus strand). Cytogenetic location: 14q32.13.
Variant type: single nucleotide variant.
Coding change: c.734+2T>C on transcript NM_177438.3 (MANE Select); the canonical splice donor site of the intron after coding-DNA position 734, T replaced by C.
Molecular consequence: splice donor variant.
Genome position (GRCh38, 1-based): chr14:95,129,470, A>G on the plus strand (T>C on the coding strand, the complement: DICER1 is on the minus strand). VCF-style: chr14-95129470-A-G. GRCh37 (hg19) VCF-style: chr14-95595807-A-G.
Other names: c.734+2T>C (NM_001291628.2, NM_030621.4, NM_001395677.1 and 14 more transcripts); c.329+2T>C (NM_001395690.1, NM_001395687.1, NM_001395689.1 and 3 more transcripts); c.452+2T>C (NM_001395686.1); c.167+2T>C (NM_001395691.1); c.-835+2T>C (NM_001395697.1).
Identifiers: ClinVar variation 932999 (VCV000932999.3), dbSNP rs1893759823, ClinGen allele CA390887951.

ClinVar aggregate classification (germline): Pathogenic (1 of 4 stars; one submission).

Conditions:
DICER1-related tumor predisposition. Also called: DICER1-related pleuropulmonary blastoma cancer predisposition syndrome; DICER1 syndrome. Identifiers: Orphanet 284343, MedGen C3839822, MONDO:0100216.

Submission:

Foulkes Cancer Genetics LDI, Lady Davis Institute for Medical Research
Classification: Pathogenic for Pleuropulmonary blastoma. Last evaluated: 2019-07-01. Review status: criteria provided, single submitter. Criteria: ACMG Guidelines, 2015. Collection method: curation. Allele origin: unknown. Affected: yes. Observed: 1 variant allele.
Comment: ACMG criteria met: PVS1, PM1, PM2, PM7

Literature cited by the submitters: PubMed 28825729.